The following is an entry in ClinVar:

NR_001566.3(TERC):n.137C>A

Genes: TERC (telomerase RNA component; minus strand), LOC110806306 (telomerase RNA component (TERC) promoter; plus strand). Cytogenetic location: 3q26.2.
Variant type: single nucleotide variant.
Molecular consequence: non-coding transcript variant (on NR_001566.3).
Genome position: GRCh38 VCF-style: chr3-169764924-G-T. GRCh37 (hg19) VCF-style: chr3-169482712-G-T.
Identifiers: ClinVar variation 3631352 (VCV003631352.2).

ClinVar aggregate classification (germline): Uncertain significance (1 of 4 stars; one submission).

Conditions:
Dyskeratosis congenita, autosomal dominant 1 (DKCA1). Also called: Dyskeratosis congenita Scoggins type. Identifiers: Orphanet 1775, MedGen C4551974, MONDO:0007485, OMIM 127550. Inheritance: Variable.

Submission:

Labcorp Genetics (formerly Invitae), Labcorp
Classification: Uncertain significance for Dyskeratosis congenita, autosomal dominant 1. Last evaluated: 2024-03-04. Review status: criteria provided, single submitter. Criteria: Invitae Variant Classification Sherloc (09022015). Collection method: clinical testing. Allele origin: germline.
Comment: This variant occurs in the TERC gene, which encodes an RNA molecule that does not result in a protein product. This variant is not present in population databases (gnomAD no frequency). This variant has not been reported in the literature in individuals affected with TERC-related conditions. This variant is located within the template/pseudoknot domain of the TERC RNA component, which is required for RNA or RNP stability (PMID: 15082312, 21844345). This variant is located in a region of TERC in which a significant number of disease causing variants have been reported (PMID: 15082312, 21844345, 21931702). These observations suggest that this may be a clinically significant region. In summary, the available evidence is currently insufficient to determine the role of this variant in disease. Therefore, it has been classified as a Variant of Uncertain Significance.

Literature cited by the submitters: PubMed 15082312; PubMed 21844345; PubMed 21931702.